The following is an entry in ClinVar:

ClinVar aggregate classification (germline): Benign. Review status: criteria provided, multiple submitters, no conflicts (2 of 4 stars). 3 submissions from 3 submitters: Benign (3). Last evaluated 2026-02-04.

Allele frequency attached by ClinVar (database versions not stated): gnomAD exomes 0.19093 and 0.23333; gnomAD 0.26864 and 0.26969; 1000 Genomes Project 0.30252; ExAC 0.24094; TOPMed 0.26191; 1000 Genomes Project 30x 0.30106; ESP Exome Variant Server 0.23839.
gnomAD v4.1: 313,882 of 1,575,666 alleles (20%); highest among the groups gnomAD compares: African/African-American, 41%; 35,092 homozygotes.

Submissions (3):

Labcorp Genetics (formerly Invitae), Labcorp
Classification: Benign. Last evaluated: 2026-02-04. Review status: criteria provided, single submitter. Criteria: Invitae Variant Classification Sherloc (09022015). Collection method: clinical testing. Allele origin: germline.

Mayo Clinic Laboratories, Mayo Clinic
Classification: Benign. Last evaluated: 2025-08-11. Review status: criteria provided, single submitter. Criteria: ACMG Guidelines, 2015. Collection method: clinical testing. Allele origin: germline. Observed: 17 variant alleles.
Comment: BA1, BP4

Breakthrough Genomics
Classification: Benign. Review status: criteria provided, single submitter. Criteria: ACMG Guidelines, 2015. Collection method: not provided. Allele origin: germline. Inheritance: Autosomal recessive inheritance. Affected: yes.

NM_001085487.3(MYSM1):c.2473G>A (p.Glu825Lys)

Gene: MYSM1 (Myb like, SWIRM and MPN domains 1; minus strand). Cytogenetic location: 1p32.1.
Variant type: single nucleotide variant.
Coding change: c.2473G>A on transcript NM_001085487.3 (MANE Select); coding-DNA position 2473, G replaced by A.
Protein change: p.Glu825Lys; replaces glutamic acid 825 with lysine.
Molecular consequence: missense variant.
Genome position (GRCh38, 1-based): chr1:58,660,011, C>T on the plus strand (G>A on the coding strand, the complement: MYSM1 is on the minus strand). VCF-style: chr1-58660011-C-T. GRCh37 (hg19) VCF-style: chr1-59125683-C-T.
Other names: p.Glu825Lys; short protein forms E825K.
Identifiers: ClinVar variation 1169778 (VCV001169778.11), dbSNP rs232777, ClinGen allele CA877516.